The following is an entry in ClinVar:

NM_015338.6(ASXL1):c.2338C>T (p.Gln780Ter)

Gene: ASXL1 (ASXL transcriptional regulator 1; plus strand). Cytogenetic location: 20q11.21.
Variant type: single nucleotide variant.
Coding change: c.2338C>T on transcript NM_015338.6 (MANE Select); coding-DNA position 2338, C replaced by T.
Protein change: p.Gln780Ter; replaces glutamine 780 with a stop codon.
Molecular consequence: nonsense.
Genome position (GRCh38, 1-based): chr20:32,435,050, C>T. VCF-style: chr20-32435050-C-T. GRCh37 (hg19) VCF-style: chr20-31022853-C-T.
Other names: c.2155C>T, p.Gln719Ter (NM_001363734.1); short protein forms Q719*, Q780*.
Identifiers: ClinVar variation 1675852 (VCV001675852.33), dbSNP rs751021760, ClinGen allele CA9808595.

ClinVar aggregate classification (germline): Likely pathogenic (1 of 4 stars; one submission).

Allele frequency attached by ClinVar (database versions not stated): gnomAD exomes below 0.00001 and 0.00001; ExAC 0.00001; gnomAD 0.00001; TOPMed 0.00001.
gnomAD v4.1: 7 of 1,614,020 alleles (0.00043%); highest among the groups gnomAD compares: Admixed American, 0.0017%; no homozygotes.

Submission:

CeGaT Center for Human Genetics Tuebingen
Classification: Likely pathogenic. Last evaluated: 2022-03-01. Review status: criteria provided, single submitter. Criteria: CeGaT Center For Human Genetics Tuebingen Variant Classification Criteria Version 2. Collection method: clinical testing. Allele origin: germline. Affected: yes. Observed: 1 variant allele.
Comment: ASXL1: PVS1, PS3:Supporting